The following is an entry in ClinVar:

ClinVar aggregate classification (germline): Uncertain significance. Review status: criteria provided, multiple submitters, no conflicts (2 of 4 stars). 2 submissions from 2 submitters: Uncertain significance (2). Last evaluated 2024-11-24.

Conditions:
KDM3B-related disorder. Also called: KDM3B-related condition.

Submissions (2):

PreventionGenetics, part of Exact Sciences
Classification: Uncertain significance for KDM3B-related condition. Last evaluated: 2024-11-24. Review status: criteria provided, single submitter. Criteria: ACMG Guidelines, 2015. Collection method: clinical testing. Allele origin: germline.
Comment: The KDM3B c.495C>A variant is predicted to result in the amino acid substitution p.Asn165Lys. To our knowledge, this variant has not been reported in the literature or in a large population database (gnomAD), indicating this variant is rare. At this time, the clinical significance of this variant is uncertain due to the absence of conclusive functional and genetic evidence.

GeneDx
Classification: Uncertain significance. Last evaluated: 2020-01-12. Review status: criteria provided, single submitter. Criteria: GeneDx Variant Classification Process June 2021. Collection method: clinical testing. Allele origin: germline. Affected: yes.
Comment: Not observed in large population cohorts (Lek et al., 2016); In silico analysis, which includes protein predictors and evolutionary conservation, supports that this variant does not alter protein structure/function; Has not been previously published as pathogenic or benign to our knowledge

NM_016604.4(KDM3B):c.495C>A (p.Asn165Lys)

Gene: KDM3B (lysine demethylase 3B; plus strand). Cytogenetic location: 5q31.2.
Variant type: single nucleotide variant.
Coding change: c.495C>A on transcript NM_016604.4 (MANE Select); coding-DNA position 495, C replaced by A.
Protein change: p.Asn165Lys; replaces asparagine 165 with lysine.
Molecular consequence: missense variant.
Genome position (GRCh38, 1-based): chr5:138,377,740, C>A. VCF-style: chr5-138377740-C-A. GRCh37 (hg19) VCF-style: chr5-137713429-C-A.
Other names: short protein forms N165K.
Identifiers: ClinVar variation 1320828 (VCV001320828.3), dbSNP rs2126929363, ClinGen allele CA361096668.